The following is an entry in ClinVar:

NM_001375883.1(GPR161):c.1124C>T (p.Thr375Ile)

Gene: GPR161 (G protein-coupled receptor 161; minus strand). Cytogenetic location: 1q24.2.
Variant type: single nucleotide variant.
Coding change: c.1124C>T on transcript NM_001375883.1 (MANE Select); coding-DNA position 1124, C replaced by T.
Protein change: p.Thr375Ile; replaces threonine 375 with isoleucine.
Molecular consequence: missense variant.
Genome position (GRCh38, 1-based): chr1:168,090,644, G>A on the plus strand (C>T on the coding strand, the complement: GPR161 is on the minus strand). VCF-style: chr1-168090644-G-A. GRCh37 (hg19) VCF-style: chr1-168059882-G-A.
Other names: c.1184C>T, p.Thr395Ile (NM_001267609.1); c.1124C>T, p.Thr375Ile (NM_001267610.2, NM_001349632.1, NM_001349633.1 and 5 more transcripts); c.1175C>T, p.Thr392Ile (NM_001267611.1); c.728C>T, p.Thr243Ile (NM_001267612.2, NM_001349635.1); c.890C>T, p.Thr297Ile (NM_001267613.1); c.782C>T, p.Thr261Ile (NM_001267614.1); short protein forms T261I, T243I, T392I, T395I, T297I, T375I.
Identifiers: ClinVar variation 3631633 (VCV003631633.2).

ClinVar aggregate classification (germline): Uncertain significance (1 of 4 stars; one submission).

gnomAD v4.1: 58 of 1,610,580 alleles (0.0036%); highest among the groups gnomAD compares: Admixed American, 0.02%; no homozygotes.

Submission:

Labcorp Genetics (formerly Invitae), Labcorp
Classification: Uncertain significance. Last evaluated: 2024-08-05. Review status: criteria provided, single submitter. Criteria: Invitae Variant Classification Sherloc (09022015). Collection method: clinical testing. Allele origin: germline.
Comment: This sequence change replaces threonine, which is neutral and polar, with isoleucine, which is neutral and non-polar, at codon 395 of the GPR161 protein (p.Thr395Ile). This variant is present in population databases (rs759498179, gnomAD 0.02%). This variant has not been reported in the literature in individuals affected with GPR161-related conditions. An algorithm developed to predict the effect of missense changes on protein structure and function (PolyPhen-2) suggests that this variant is likely to be tolerated. In summary, the available evidence is currently insufficient to determine the role of this variant in disease. Therefore, it has been classified as a Variant of Uncertain Significance.